The following is an entry in ClinVar:

NM_001458.5(FLNC):c.4326C>T (p.Asp1442=)

Gene: FLNC (filamin C; plus strand). Cytogenetic location: 7q32.1.
Variant type: single nucleotide variant.
Coding change: c.4326C>T on transcript NM_001458.5 (MANE Select); coding-DNA position 4326, C replaced by T.
Protein change: p.Asp1442=; no amino-acid change (aspartic acid 1442 retained).
Molecular consequence: synonymous variant.
Genome position (GRCh38, 1-based): chr7:128,847,734, C>T. VCF-style: chr7-128847734-C-T. GRCh37 (hg19) VCF-style: chr7-128487788-C-T.
Other names: c.4326C>T, p.Asp1442= (NM_001127487.2).
Identifiers: ClinVar variation 3339920 (VCV003339920.1).

ClinVar aggregate classification (germline): Likely benign (1 of 4 stars; one submission).

Submission:

Women's Health and Genetics/Laboratory Corporation of America, LabCorp
Classification: Likely benign. Last evaluated: 2024-06-20. Review status: criteria provided, single submitter. Criteria: LabCorp Variant Classification Summary - May 2015. Collection method: clinical testing. Allele origin: germline.
Comment: Variant summary: FLNC c.4326C>T alters a non-conserved nucleotide resulting in a synonymous change. Consensus agreement among computation tools predict no significant impact on normal splicing. However, these predictions have yet to be confirmed by functional studies. The variant was absent in 249310 control chromosomes (gnomAD). The available data on variant occurrences in the general population are insufficient to allow any conclusion about variant significance. To our knowledge, no occurrence of c.4326C>T in individuals affected with Cardiomyopathy and no experimental evidence demonstrating its impact on protein function have been reported. No submitters have cited clinical-significance assessments for this variant to ClinVar. Based on the evidence outlined above, the variant was classified as likely benign.